The following is an entry in ClinVar:

ClinVar aggregate classification (germline): Uncertain significance (1 of 4 stars; one submission).

Conditions:
Hereditary sensory and autonomic neuropathy type 6. Also called: HSAN VI; Neuropathy, hereditary sensory and autonomic, type VI. Identifiers: Orphanet 314381, MedGen C3539003, MONDO:0013839, OMIM 614653.
Epidermolysis bullosa simplex 3, localized or generalized intermediate, with BP230 deficiency (EBS3). Also called: Epidermolysis bullosa simplex, autosomal recessive 2; Epidermolysis bullosa simplex due to BP230 deficiency. Identifiers: Orphanet 412181, MedGen C3809470, MONDO:0014180, OMIM 615425.

Allele frequency attached by ClinVar (database versions not stated): gnomAD exomes 0.00001; gnomAD 0.00002; TOPMed 0.00004; ESP Exome Variant Server 0.00008.
gnomAD v4.1: 6 of 1,610,108 alleles (0.00037%); highest among the groups gnomAD compares: African/African-American, 0.008%; no homozygotes.

Submission:

Labcorp Genetics (formerly Invitae), Labcorp
Classification: Uncertain significance for Epidermolysis bullosa simplex 3, localized or generalized intermediate, with BP230 deficiency; Hereditary sensory and autonomic neuropathy type 6. Last evaluated: 2024-11-04. Review status: criteria provided, single submitter. Criteria: Invitae Variant Classification Sherloc (09022015). Collection method: clinical testing. Allele origin: germline.
Comment: The DST gene has multiple clinically relevant transcripts. This variant occurs in alternate transcript NM_015548.4, and corresponds to NM_001723.5:c.*16866C>T in the primary transcript. This sequence change replaces threonine, which is neutral and polar, with isoleucine, which is neutral and non-polar, at codon 1295 of the DST protein (p.Thr1295Ile). This variant is present in population databases (rs367829557, gnomAD 0.02%). This variant has not been reported in the literature in individuals affected with DST-related conditions. Experimental studies and prediction algorithms are not available or were not evaluated, and the functional significance of this variant is currently unknown. In summary, the available evidence is currently insufficient to determine the role of this variant in disease. Therefore, it has been classified as a Variant of Uncertain Significance.

NM_001374736.1(DST):c.11753C>T (p.Thr3918Ile)

Gene: DST (dystonin; minus strand). Cytogenetic location: 6p12.1.
Variant type: single nucleotide variant.
Coding change: c.11753C>T on transcript NM_001374736.1 (MANE Select); coding-DNA position 11753, C replaced by T.
Protein change: p.Thr3918Ile; replaces threonine 3918 with isoleucine.
Molecular consequence: missense variant.
Genome position (GRCh38, 1-based): chr6:56,598,651, G>A on the plus strand (C>T on the coding strand, the complement: DST is on the minus strand). VCF-style: chr6-56598651-G-A. GRCh37 (hg19) VCF-style: chr6-56463449-G-A.
Other names: c.5396C>T, p.Thr1799Ile (NM_001144769.5); c.4982C>T, p.Thr1661Ile (NM_001144770.2); c.11753C>T, p.Thr3918Ile (NM_001374722.1); c.11120C>T, p.Thr3707Ile (NM_001374729.1); c.4862C>T, p.Thr1621Ile (NM_001374730.1, NM_001386100.1, NM_183380.4); c.11780C>T, p.Thr3927Ile (NM_001374734.1); c.3884C>T, p.Thr1295Ile (NM_015548.5); short protein forms T1661I, T3927I, T1799I, T3707I, T3918I, T1295I, T1621I.
Identifiers: ClinVar variation 2931666 (VCV002931666.3), dbSNP rs367829557, ClinGen allele CA3868577.